The following is an entry in ClinVar:

ClinVar aggregate classification (germline): Uncertain significance (1 of 4 stars; one submission).

gnomAD v4.1: 6 of 1,612,990 alleles (0.00037%); highest among the groups gnomAD compares: Non-Finnish European, 0.00051%; no homozygotes.

Submission:

Labcorp Genetics (formerly Invitae), Labcorp
Classification: Uncertain significance. Last evaluated: 2025-03-06. Review status: criteria provided, single submitter. Criteria: Invitae Variant Classification Sherloc (09022015). Collection method: clinical testing. Allele origin: germline.
Comment: This sequence change replaces alanine, which is neutral and non-polar, with proline, which is neutral and non-polar, at codon 280 of the ANKZF1 protein (p.Ala280Pro). This variant is present in population databases (no rsID available, gnomAD 0.007%). This variant has not been reported in the literature in individuals affected with ANKZF1-related conditions. An algorithm developed to predict the effect of missense changes on protein structure and function (PolyPhen-2) suggests that this variant is likely to be disruptive. In summary, the available evidence is currently insufficient to determine the role of this variant in disease. Therefore, it has been classified as a Variant of Uncertain Significance.

NM_018089.3(ANKZF1):c.838G>C (p.Ala280Pro)

Gene: ANKZF1 (ankyrin repeat and zinc finger peptidyl tRNA hydrolase 1; plus strand). Cytogenetic location: 2q35.
Variant type: single nucleotide variant.
Coding change: c.838G>C on transcript NM_018089.3 (MANE Select); coding-DNA position 838, G replaced by C.
Protein change: p.Ala280Pro; replaces alanine 280 with proline.
Molecular consequence: missense variant.
Genome position (GRCh38, 1-based): chr2:219,233,733, G>C. VCF-style: chr2-219233733-G-C. GRCh37 (hg19) VCF-style: chr2-220098455-G-C.
Other names: c.838G>C, p.Ala280Pro (NM_001042410.2); c.208G>C, p.Ala70Pro (NM_001282792.2); short protein forms A70P, A280P.
Identifiers: ClinVar variation 4703928 (VCV004703928.1).